The following is an entry in ClinVar:

NM_033109.5(PNPT1):c.866+2T>C

Gene: PNPT1 (polyribonucleotide nucleotidyltransferase 1; minus strand). Cytogenetic location: 2p16.1.
Variant type: single nucleotide variant.
Coding change: c.866+2T>C on transcript NM_033109.5 (MANE Select); the canonical splice donor site of the intron after coding-DNA position 866, T replaced by C.
Molecular consequence: splice donor variant.
Genome position (GRCh38, 1-based): chr2:55,672,891, A>G on the plus strand (T>C on the coding strand, the complement: PNPT1 is on the minus strand). VCF-style: chr2-55672891-A-G. GRCh37 (hg19) VCF-style: chr2-55900026-A-G.
Identifiers: ClinVar variation 2856202 (VCV002856202.3), dbSNP rs2529576283, ClinGen allele CA346933333.
Genomic context (GRCh38, chr2:55,672,891, plus strand): 5'-CTCCCACGAGGAAATTAAATCTGATGACAATTTCATATTTTCATTTGCACAGATGTTCTT[A>G]CTTATGAGTATATTTCACAATCTCTGGCGAAGGGGTAAATAACTTCTGAGGTGTCCTCTT-3'

ClinVar aggregate classification (germline): Likely pathogenic (1 of 4 stars; one submission).

Submission:

Labcorp Genetics (formerly Invitae), Labcorp
Classification: Likely pathogenic. Last evaluated: 2023-04-14. Review status: criteria provided, single submitter. Criteria: Invitae Variant Classification Sherloc (09022015). Collection method: clinical testing. Allele origin: germline.
Comment: In summary, the currently available evidence indicates that the variant is pathogenic, but additional data are needed to prove that conclusively. Therefore, this variant has been classified as Likely Pathogenic. Algorithms developed to predict the effect of sequence changes on RNA splicing suggest that this variant may disrupt the consensus splice site. This sequence change affects a donor splice site in intron 9 of the PNPT1 gene. It is expected to disrupt RNA splicing. Variants that disrupt the donor or acceptor splice site typically lead to a loss of protein function (PMID: 16199547), and loss-of-function variants in PNPT1 are known to be pathogenic (PMID: 28594066, 30244537). This variant is not present in population databases (gnomAD no frequency). This variant has not been reported in the literature in individuals affected with PNPT1-related conditions.

Literature cited by the submitters: PubMed 16199547; PubMed 28594066; PubMed 30244537.